The following is an entry in ClinVar:

ClinVar aggregate classification (germline): Pathogenic/Likely pathogenic. Review status: criteria provided, multiple submitters, no conflicts (2 of 4 stars). 3 submissions from 3 submitters: Pathogenic (1); Likely pathogenic (2). Last evaluated 2024-04-04.

Conditions:
Ataxia-telangiectasia syndrome (AT). Also called: LOUIS-BAR SYNDROME; Cerebello-oculocutaneous telangiectasia; Immunodeficiency with ataxia telangiectasia; Ataxia-telangiectasia, complementation group D; AT, COMPLEMENTATION GROUP C; ATAXIA-TELANGIECTASIA, COMPLEMENTATION GROUP A. Identifiers: Orphanet 100, MedGen C0004135, MONDO:0008840, OMIM 208900.

Submissions (3):

Genomic Medicine Center of Excellence, King Faisal Specialist Hospital and Research Centre
Classification: Likely pathogenic for Ataxia-telangiectasia syndrome. Last evaluated: 2024-04-04. Review status: criteria provided, single submitter. Criteria: ACMG Guidelines, 2015. Collection method: clinical testing. Allele origin: germline.

Labcorp Genetics (formerly Invitae), Labcorp
Classification: Pathogenic for Ataxia-telangiectasia syndrome. Last evaluated: 2022-03-23. Review status: criteria provided, single submitter. Criteria: Invitae Variant Classification Sherloc (09022015). Collection method: clinical testing. Allele origin: germline.
Comment: For these reasons, this variant has been classified as Pathogenic. ClinVar contains an entry for this variant (Variation ID: 1323951). This variant has not been reported in the literature in individuals affected with ATM-related conditions. This variant is not present in population databases (gnomAD no frequency). This sequence change creates a premature translational stop signal (p.Asp1725Argfs*24) in the ATM gene. It is expected to result in an absent or disrupted protein product. Loss-of-function variants in ATM are known to be pathogenic (PMID: 23807571, 25614872).

Revvity Omics, Revvity
Classification: Likely pathogenic for Ataxia-telangiectasia syndrome. Last evaluated: 2021-11-09. Review status: criteria provided, single submitter. Criteria: ACMG Guidelines, 2015. Collection method: clinical testing. Allele origin: germline.

Literature cited by the submitters: PubMed 23807571 (cited by Labcorp Genetics (formerly Invitae), Labcorp); PubMed 25614872 (cited by Labcorp Genetics (formerly Invitae), Labcorp).

NM_000051.4(ATM):c.5172dup (p.Asp1725fs)

Gene: ATM (ATM serine/threonine kinase; plus strand). Cytogenetic location: 11q22.3.
Variant type: Duplication.
Coding change: c.5172dup on transcript NM_000051.4 (MANE Select); coding-DNA position 5172, one base duplicated (A; older notation c.5172dupA).
Protein change: p.Asp1725fs; shifts the reading frame from aspartic acid 1725.
Molecular consequence: frameshift variant.
Genome position (GRCh38, 1-based): chr11:108,299,880, A duplicated; the last of 2 consecutive A bases (chr11:108,299,879-108,299,880); duplicating either gives the same sequence. VCF-style (leftmost placement, unchanged base first): chr11-108299878-G-GA. GRCh37 (hg19) VCF-style: chr11-108170605-G-GA.
Other names: c.5172dup, p.Asp1725fs (NM_001351834.2); short protein forms D1725fs.
Identifiers: ClinVar variation 1323951 (VCV001323951.9), dbSNP rs2135893222, ClinGen allele CA2573053405.
Genomic context (GRCh38, chr11:108,299,878, plus strand): 5'-GAAGATAAAGAACTTCAGTGGACCTTCATAATGCTGACCTACCTGAATAACACACTGGTA[G>GA]AAGATTGGTGAGTATTTATTGATACCTTATATGTAATCTCAATATGACATTCATGGAGAA-3'